The following is an entry in ClinVar:

ClinVar aggregate classification (germline): Uncertain significance (1 of 4 stars; one submission).

Conditions:
DNMT3A-related disorder. Also called: DNMT3A-related disorders; DNMT3A-related condition.

Submission:

PreventionGenetics, part of Exact Sciences
Classification: Uncertain significance for DNMT3A-related condition. Last evaluated: 2026-09-01. Review status: criteria provided, single submitter. Criteria: ACMG Guidelines, 2015. Collection method: clinical testing. Allele origin: germline.
Comment: The DNMT3A c.1858C>T variant is predicted to result in the amino acid substitution p.Pro620Ser. To our knowledge, this variant has not been reported in the literature or in a large population database (gnomAD), indicating this variant is rare. At this time, the clinical significance of this variant is uncertain due to the absence of conclusive functional and genetic evidence.

NM_022552.5(DNMT3A):c.1858C>T (p.Pro620Ser)

Gene: DNMT3A (DNA methyltransferase 3 alpha; minus strand). Cytogenetic location: 2p23.3.
Variant type: single nucleotide variant.
Coding change: c.1858C>T on transcript NM_022552.5 (MANE Select); coding-DNA position 1858, C replaced by T.
Protein change: p.Pro620Ser; replaces proline 620 with serine.
Molecular consequence: missense variant. On other transcripts: non-coding transcript variant (1).
Genome position (GRCh38, 1-based): chr2:25,243,976, G>A on the plus strand (C>T on the coding strand, the complement: DNMT3A is on the minus strand). VCF-style: chr2-25243976-G-A. GRCh37 (hg19) VCF-style: chr2-25466845-G-A.
Other names: c.1402C>T, p.Pro468Ser (NM_001320893.1); c.1189C>T, p.Pro397Ser (NM_001375819.1); c.1291C>T, p.Pro431Ser (NM_153759.3); c.1858C>T, p.Pro620Ser (NM_175629.2); short protein forms P468S, P397S, P431S, P620S.
Identifiers: ClinVar variation 4994605 (VCV004994605.1).